The following is an entry in ClinVar:

NM_000843.4(GRM6):c.1829A>C (p.Tyr610Ser)

Genes: GRM6 (glutamate metabotropic receptor 6; minus strand), ZNF454 (zinc finger protein 454; plus strand). Cytogenetic location: 5q35.3.
Variant type: single nucleotide variant.
Coding change: c.1829A>C on transcript NM_000843.4 (MANE Select); coding-DNA position 1829, A replaced by C.
Protein change: p.Tyr610Ser; replaces tyrosine 610 with serine.
Molecular consequence: missense variant.
Genome position (GRCh38, 1-based): chr5:178,986,425, T>G on the plus strand (A>C on the coding strand, the complement: GRM6 is on the minus strand). VCF-style: chr5-178986425-T-G. GRCh37 (hg19) VCF-style: chr5-178413426-T-G.
Other names: short protein forms Y610S.
Identifiers: ClinVar variation 960360 (VCV000960360.10), dbSNP rs1300732325, ClinGen allele CA362427146.
Genomic context (GRCh38, chr5:178,986,425, plus strand): 5'-CCGGTGAGGAGGACGTAGCTGAGCTCTCGGCCCGAGGCCCGGACGATGGGCGTGTTGTTG[T>G]ACCGCACGAAGGTGGCCACCACCGTGGTAGTGGCCACGATGCCCAGCACGGCCAGGAGGA-3'
Protein context (NP_000834.2, residues 600-620): TTTVVATFVR[Tyr610Ser]NNTPIVRASG

ClinVar aggregate classification (germline): Uncertain significance. Review status: criteria provided, multiple submitters, no conflicts (2 of 4 stars). 2 submissions from 2 submitters: Uncertain significance (2). Last evaluated 2022-11-10.

Conditions:
Inborn genetic diseases. Identifiers: MedGen C0950123, MeSH D030342.

Allele frequency attached by ClinVar (database versions not stated): gnomAD exomes below 0.00001; TOPMed 0.00001.
gnomAD v4.1: 1 of 1,613,592 alleles (0.000062%); highest among the groups gnomAD compares: Non-Finnish European, 0.000085%; no homozygotes.

Submissions (2):

Ambry Genetics
Classification: Uncertain significance for Inborn genetic diseases. Last evaluated: 2022-11-10. Review status: criteria provided, single submitter. Criteria: Ambry Variant Classification Scheme 2023. Collection method: clinical testing. Allele origin: germline.

Labcorp Genetics (formerly Invitae), Labcorp
Classification: Uncertain significance. Last evaluated: 2019-10-31. Review status: criteria provided, single submitter. Criteria: Invitae Variant Classification Sherloc (09022015). Collection method: clinical testing. Allele origin: germline.
Comment: In summary, the available evidence is currently insufficient to determine the role of this variant in disease. Therefore, it has been classified as a Variant of Uncertain Significance. Algorithms developed to predict the effect of missense changes on protein structure and function are either unavailable or do not agree on the potential impact of this missense change (SIFT: "Tolerated"; PolyPhen-2: "Possibly Damaging"; Align-GVGD: "Class C15"). This variant has not been reported in the literature in individuals with GRM6-related conditions. This variant is not present in population databases (ExAC no frequency). This sequence change replaces tyrosine with serine at codon 610 of the GRM6 protein (p.Tyr610Ser). The tyrosine residue is weakly conserved and there is a large physicochemical difference between tyrosine and serine.